The following is an entry in ClinVar:

ClinVar aggregate classification (germline): Uncertain significance (1 of 4 stars; one submission).

Conditions:
Cardiovascular phenotype. Identifiers: MedGen CN230736.

gnomAD v4.1: 6 of 1,549,878 alleles (0.00039%); highest among the groups gnomAD compares: African/African-American, 0.0027%; no homozygotes.

Submission:

Ambry Genetics
Classification: Uncertain significance for Cardiovascular phenotype. Last evaluated: 2026-05-03. Review status: criteria provided, single submitter. Criteria: Ambry Variant Classification Scheme 2023. Collection method: clinical testing. Allele origin: germline.
Comment: The p.G525R variant (also known as c.1573G>C), located in coding exon 1 of the ZNF469 gene, results from a G to C substitution at nucleotide position 1573. The glycine at codon 525 is replaced by arginine, an amino acid with dissimilar properties. This amino acid position is conserved. In addition, this alteration is predicted to be tolerated by in silico analysis. Based on the available evidence, the clinical significance of this variant remains unclear.

NM_001367624.2(ZNF469):c.1573G>C (p.Gly525Arg)

Gene: ZNF469 (zinc finger protein 469; plus strand). Cytogenetic location: 16q24.2.
Variant type: single nucleotide variant.
Coding change: c.1573G>C on transcript NM_001367624.2 (MANE Select); coding-DNA position 1573, G replaced by C.
Protein change: p.Gly525Arg; replaces glycine 525 with arginine.
Molecular consequence: missense variant.
Genome position (GRCh38, 1-based): chr16:88,429,043, G>C. VCF-style: chr16-88429043-G-C. GRCh37 (hg19) VCF-style: chr16-88495451-G-C.
Other names: NM_001127464.1:c.1573G>C; short protein forms G525R.
Identifiers: ClinVar variation 4867010 (VCV004867010.1).
Genomic context (GRCh38, chr16:88,429,043, plus strand): 5'-CCTTTCCCCGCGGGGGGCCCCGAGTGGCAGGGGGGCAGCCAAGGAGCCCTGGGCACTGCT[G>C]GCAAGACACCGGGACCCAGAGAGAAGCTGCCAGCCGTGAGAAGCAGCCAGGGCGGCTCCC-3'
Protein context (NP_001354553.1, residues 515-535): GGSQGALGTA[Gly525Arg]KTPGPREKLP